The following is an entry in ClinVar:

ClinVar aggregate classification (germline): Uncertain significance. Review status: criteria provided, single submitter (1 of 4 stars). 2 submissions from 2 submitters: Uncertain significance (1). 1 of the submissions does not count toward it. Last evaluated 2022-04-08.

Conditions:
Usher syndrome type 1 (USH1). Also called: RETINITIS PIGMENTOSA AND CONGENITAL DEAFNESS. Identifiers: Orphanet 231169, Orphanet 886, MedGen C1568247, MONDO:0010168, OMIM 276900.

Submissions (2):

Labcorp Genetics (formerly Invitae), Labcorp
Classification: Uncertain significance. Last evaluated: 2022-04-08. Review status: criteria provided, single submitter. Criteria: Invitae Variant Classification Sherloc (09022015). Collection method: clinical testing. Allele origin: germline.
Comment: This sequence change replaces glycine, which is neutral and non-polar, with glutamic acid, which is acidic and polar, at codon 1827 of the CDH23 protein (p.Gly1827Glu). This variant is not present in population databases (gnomAD no frequency). This variant has not been reported in the literature in individuals affected with CDH23-related conditions. Algorithms developed to predict the effect of missense changes on protein structure and function are either unavailable or do not agree on the potential impact of this missense change (SIFT: "Deleterious"; PolyPhen-2: "Not Available"; Align-GVGD: "Class C0"). In summary, the available evidence is currently insufficient to determine the role of this variant in disease. Therefore, it has been classified as a Variant of Uncertain Significance.

Natera, Inc.
Classification: Uncertain significance for Usher syndrome type 1. Last evaluated: 2025-03-28. Review status: no assertion criteria provided. Collection method: clinical testing. Allele origin: germline. Not counted in ClinVar's aggregate classification.

NM_022124.6(CDH23):c.5480G>A (p.Gly1827Glu)

Gene: CDH23 (cadherin related 23; plus strand). Cytogenetic location: 10q22.1.
Variant type: single nucleotide variant.
Coding change: c.5480G>A on transcript NM_022124.6 (MANE Select); coding-DNA position 5480, G replaced by A.
Protein change: p.Gly1827Glu; replaces glycine 1827 with glutamic acid.
Molecular consequence: missense variant.
Genome position (GRCh38, 1-based): chr10:71,784,398, G>A. VCF-style: chr10-71784398-G-A. GRCh37 (hg19) VCF-style: chr10-73544155-G-A.
Other names: c.5480G>A (NM_022124.5); short protein forms G1827E.
Identifiers: ClinVar variation 1975402 (VCV001975402.3), dbSNP rs866711061, ClinGen allele CA209456952.